The following is an entry in ClinVar:

NM_000245.4(MET):c.3922T>C (p.Cys1308Arg)

Gene: MET (MET proto-oncogene, receptor tyrosine kinase; plus strand). Cytogenetic location: 7q31.2.
Variant type: single nucleotide variant.
Coding change: c.3922T>C on transcript NM_000245.4 (MANE Select); coding-DNA position 3922, T replaced by C.
Protein change: p.Cys1308Arg; replaces cysteine 1308 with arginine.
Molecular consequence: missense variant.
Genome position (GRCh38, 1-based): chr7:116,795,778, T>C. VCF-style: chr7-116795778-T-C. GRCh37 (hg19) VCF-style: chr7-116435832-T-C.
Other names: c.3976T>C, p.Cys1326Arg (NM_001127500.3); c.2632T>C, p.Cys878Arg (NM_001324402.2); short protein forms C1326R, C1308R, C878R.
Identifiers: ClinVar variation 5024356 (VCV005024356.1).

ClinVar aggregate classification (germline): Uncertain significance (1 of 4 stars; one submission).

Conditions:
Hereditary cancer-predisposing syndrome. Also called: Neoplastic Syndromes, Hereditary; Tumor predisposition; Hereditary neoplastic syndrome; Hereditary Cancer Syndrome. Identifiers: Orphanet 140162, MedGen C0027672, MeSH D009386, MONDO:0015356.

gnomAD v4.1: 1 of 1,614,204 alleles (0.000062%); highest among the groups gnomAD compares: Non-Finnish European, 0.000085%; no homozygotes.

Submission:

Ambry Genetics
Classification: Uncertain significance for Hereditary cancer-predisposing syndrome. Last evaluated: 2026-07-06. Review status: criteria provided, single submitter. Criteria: Ambry Variant Classification Scheme 2023. Collection method: clinical testing. Allele origin: germline.
Comment: The p.C1308R variant (also known as c.3922T>C), located in coding exon 19 of the MET gene, results from a T to C substitution at nucleotide position 3922. The cysteine at codon 1308 is replaced by arginine, an amino acid with highly dissimilar properties. This amino acid position is conserved. In addition, this alteration is predicted to be deleterious by in silico analysis. Based on the available evidence, the clinical significance of this variant remains unclear.